The following is an entry in ClinVar:

ClinVar aggregate classification (germline): Uncertain significance. Review status: criteria provided, multiple submitters, no conflicts (2 of 4 stars). 2 submissions from 2 submitters: Uncertain significance (2). Last evaluated 2025-09-30.

Allele frequency attached by ClinVar (database versions not stated): ExAC 0.00001; TOPMed 0.00001; gnomAD 0.00002.

Submissions (2):

Labcorp Genetics (formerly Invitae), Labcorp
Classification: Uncertain significance. Last evaluated: 2025-09-30. Review status: criteria provided, single submitter. Criteria: Invitae Variant Classification Sherloc (09022015). Collection method: clinical testing. Allele origin: germline.
Comment: This sequence change replaces arginine, which is basic and polar, with glutamine, which is neutral and polar, at codon 663 of the TAOK2 protein (p.Arg663Gln). The frequency data for this variant in the population databases is considered unreliable, as metrics indicate poor data quality at this position in the gnomAD database. This variant has not been reported in the literature in individuals affected with TAOK2-related conditions. ClinVar contains an entry for this variant (Variation ID: 2714581). An algorithm developed to predict the effect of missense changes on protein structure and function (PolyPhen-2) suggests that this variant is likely to be tolerated. In summary, the available evidence is currently insufficient to determine the role of this variant in disease. Therefore, it has been classified as a Variant of Uncertain Significance.

Ambry Genetics
Classification: Uncertain significance. Last evaluated: 2025-08-27. Review status: criteria provided, single submitter. Criteria: Ambry Variant Classification Scheme 2023. Collection method: clinical testing. Allele origin: germline.

NM_016151.4(TAOK2):c.1988G>A (p.Arg663Gln)

Gene: TAOK2 (TAO kinase 2; plus strand). Cytogenetic location: 16p11.2.
Variant type: single nucleotide variant.
Coding change: c.1988G>A on transcript NM_016151.4 (MANE Select); coding-DNA position 1988, G replaced by A.
Protein change: p.Arg663Gln; replaces arginine 663 with glutamine.
Molecular consequence: missense variant.
Genome position (GRCh38, 1-based): chr16:29,985,857, G>A. VCF-style: chr16-29985857-G-A. GRCh37 (hg19) VCF-style: chr16-29997178-G-A.
Other names: c.1988G>A, p.Arg663Gln (NM_001252043.2, NM_004783.4); c.1988G>A (NM_016151.2); short protein forms R663Q.
Identifiers: ClinVar variation 2714581 (VCV002714581.4), dbSNP rs772493861, ClinGen allele CA7998268.